The following is an entry in ClinVar:

ClinVar aggregate classification (germline): Likely pathogenic (3 of 4 stars; one submission).

Conditions:
Lynch syndrome. Identifiers: Orphanet 144, MedGen C4552100, MONDO:0005835. Disease mechanism: loss of function.

Submission:

International Society for Gastrointestinal Hereditary Tumours (InSiGHT)
Classification: Likely pathogenic for Lynch syndrome. Last evaluated: 2019-06-21. Review status: reviewed by expert panel. Criteria: Guidelines v2.4. Collection method: curation. Allele origin: germline. Affected: yes.
Comment: Interrupts canonical donor splice site

NM_000535.7(PMS2):c.251-2A>G

Gene: PMS2 (PMS1 homolog 2, mismatch repair system component; minus strand). Cytogenetic location: 7p22.1.
Variant type: single nucleotide variant.
Coding change: c.251-2A>G on transcript NM_000535.7 (MANE Select); the canonical splice acceptor site of the intron before coding-DNA position 251, A replaced by G.
Molecular consequence: splice acceptor variant. On other transcripts: synonymous variant (1), intron variant (11).
Genome position (GRCh38, 1-based): chr7:6,003,794, T>C on the plus strand (A>G on the coding strand, the complement: PMS2 is on the minus strand). VCF-style: chr7-6003794-T-C. GRCh37 (hg19) VCF-style: chr7-6043425-T-C.
Other names: c.273A>G, p.Ser91= (NM_001406868.1); c.35+178A>G (NM_001322008.2, NM_001406902.1, NM_001406883.1 and 4 more transcripts); c.-132+178A>G (NM_001406881.1, NM_001406900.1); c.-102-2A>G (NM_001406895.1, NM_001406904.1, NM_001406889.1 and 6 more transcripts); c.-155-2A>G (NM_001406911.1, NM_001322010.2, NM_001322004.2 and 13 more transcripts); c.-234-2A>G (NM_001406879.1, NM_001322015.2, NM_001406878.1 and 3 more transcripts); c.-634-2A>G (NM_001322012.2, NM_001322011.2); c.-52-1158A>G (NM_001406896.1); and 5 more.
Identifiers: ClinVar variation 91345 (VCV000091345.2), dbSNP rs587779340, ClinGen allele CA011625.